The following is an entry in ClinVar:

NM_005428.4(VAV1):c.1933A>C (p.Asn645His)

Gene: VAV1 (vav guanine nucleotide exchange factor 1; plus strand). Cytogenetic location: 19p13.3.
Variant type: single nucleotide variant.
Coding change: c.1933A>C on transcript NM_005428.4 (MANE Select); coding-DNA position 1933, A replaced by C.
Protein change: p.Asn645His; replaces asparagine 645 with histidine.
Molecular consequence: missense variant. On other transcripts: intron variant (1).
Genome position (GRCh38, 1-based): chr19:6,837,003, A>C. VCF-style: chr19-6837003-A-C. GRCh37 (hg19) VCF-style: chr19-6837014-A-C.
Other names: c.1933A>C (NM_005428.2); c.1837A>C, p.Asn613His (NM_001258207.2); c.1914+435A>C (NM_001258206.2); short protein forms N613H, N645H.
Identifiers: ClinVar variation 2957977 (VCV002957977.4), dbSNP rs2512387173, ClinGen allele CA403632269.
Genomic context (GRCh38, chr19:6,837,003, plus strand): 5'-CTATAACCTCTCTGTTCCTGTTTTTGTCTCCTGGGTGTTTAGGGCAGAAATACATCTACT[A>C]ATGAAATTGGCTGGTTTCCTTGTAACAGGGTGAAGCCCTATGTCCATGTGAGTGCCTCAA-3'
Protein context (NP_005419.2, residues 635-655): NWWEGRNTST[Asn645His]EIGWFPCNRV

ClinVar aggregate classification (germline): Uncertain significance. Review status: criteria provided, multiple submitters, no conflicts (2 of 4 stars). 2 submissions from 2 submitters: Uncertain significance (2). Last evaluated 2025-08-13.

Submissions (2):

Ambry Genetics
Classification: Uncertain significance. Last evaluated: 2025-08-13. Review status: criteria provided, single submitter. Criteria: Ambry Variant Classification Scheme 2023. Collection method: clinical testing. Allele origin: germline.

Labcorp Genetics (formerly Invitae), Labcorp
Classification: Uncertain significance. Last evaluated: 2022-12-04. Review status: criteria provided, single submitter. Criteria: Invitae Variant Classification Sherloc (09022015). Collection method: clinical testing. Allele origin: germline.
Comment: In summary, the available evidence is currently insufficient to determine the role of this variant in disease. Therefore, it has been classified as a Variant of Uncertain Significance. Algorithms developed to predict the effect of missense changes on protein structure and function are either unavailable or do not agree on the potential impact of this missense change (SIFT: "Tolerated"; PolyPhen-2: "Possibly Damaging"; Align-GVGD: "Class C0"). This variant has not been reported in the literature in individuals affected with VAV1-related conditions. This variant is not present in population databases (gnomAD no frequency). This sequence change replaces asparagine, which is neutral and polar, with histidine, which is basic and polar, at codon 645 of the VAV1 protein (p.Asn645His).